The following is an entry in ClinVar:

ClinVar aggregate classification (germline): Conflicting classifications of pathogenicity. Review status: criteria provided, conflicting classifications (1 of 4 stars). 7 submissions from 6 submitters: Uncertain significance (4); Likely benign (3). Last evaluated 2025-05-26.

Conditions:
Hypercholesterolemia, autosomal dominant, 3 (FHCL3). Also called: PCSK9-Related Familial Hypercholesterolemia, Autosomal Dominant; Familial Hypercholesterolemia, Autosomal Dominant, 3; Familial hypercholesterolemia 3. Identifiers: MedGen C1863551, MONDO:0011369, OMIM 603776.
Cardiovascular phenotype. Identifiers: MedGen CN230736.
Familial hypercholesterolemia. Also called: Familial hypercholesterolemias; Familial hypercholesterolaemia. Identifiers: MedGen C0020445, MONDO:0005439.
Hypobetalipoproteinemia. Identifiers: Orphanet 31154, MedGen C0020597, MONDO:0017774.

Allele frequency attached by ClinVar (database versions not stated): gnomAD exomes below 0.00001 and 0.00003; ExAC 0.00004; TOPMed below 0.00001; gnomAD 0.00002.
gnomAD v4.1: 9 of 1,610,700 alleles (0.00056%); highest among the groups gnomAD compares: East Asian, 0.02%; no homozygotes.

Submissions (7):

Labcorp Genetics (formerly Invitae), Labcorp
Classification: Likely benign for Hypercholesterolemia, autosomal dominant, 3. Last evaluated: 2025-05-26. Review status: criteria provided, single submitter. Criteria: Invitae Variant Classification Sherloc (09022015). Collection method: clinical testing. Allele origin: germline.

Women's Health and Genetics/Laboratory Corporation of America, LabCorp
Classification: Likely benign. Last evaluated: 2025-03-07. Review status: criteria provided, single submitter. Criteria: LabCorp Variant Classification Summary - May 2015. Collection method: clinical testing. Allele origin: germline.
Comment: Variant summary: PCSK9 c.1733T>A (p.Val578Glu) results in a non-conservative amino acid change in the encoded protein sequence. Three of five in-silico tools predict a benign effect of the variant on protein function. The variant allele was found at a frequency of 3.6e-05 in 274030 control chromosomes, predominantly at a frequency of 0.00051 within the East Asian subpopulation in the gnomAD database. The observed variant frequency within East Asian control individuals in the gnomAD database is approximately 14 fold of the estimated maximal expected allele frequency for a pathogenic variant in PCSK9 causing Familial Hypercholesterolemia phenotype (3.8e-05). To our knowledge, no occurrence of c.1733T>A in individuals affected with Familial Hypercholesterolemia and no experimental evidence demonstrating its impact on protein function have been reported. ClinVar contains an entry for this variant (Variation ID: 876538). Based on the evidence outlined above, the variant was classified as likely benign.

Color Diagnostics, LLC DBA Color Health
Classification: Uncertain significance for Familial hypercholesterolemia. Last evaluated: 2024-03-06. Review status: criteria provided, single submitter. Criteria: ACMG Guidelines, 2015. Collection method: clinical testing. Allele origin: germline.
Comment: This missense variant replaces valine with glutamic acid at codon 578 of the PCSK9 protein. Computational prediction suggests that this variant may not impact protein structure and function (internally defined REVEL score threshold <= 0.5, PMID: 27666373). To our knowledge, functional studies have not been reported for this variant. This variant has not been reported in individuals affected with PCSK9-related disorders in the literature. This variant has been identified in 10/274030 chromosomes in the general population by the Genome Aggregation Database (gnomAD). The available evidence is insufficient to determine the role of this variant in disease conclusively. Therefore, this variant is classified as a Variant of Uncertain Significance.

All of Us Research Program, National Institutes of Health
Classification: Uncertain significance for Hypercholesterolemia, autosomal dominant, 3. Last evaluated: 2024-01-11. Review status: criteria provided, single submitter. Criteria: ACMG Guidelines, 2015. Collection method: clinical testing. Allele origin: germline. Inheritance: Autosomal dominant inheritance. Observed: 6 variant alleles, 6 heterozygotes.
Comment: This missense variant replaces valine with glutamic acid at codon 578 of the PCSK9 protein. Computational prediction suggests that this variant may not impact protein structure and function (internally defined REVEL score threshold <= 0.5, PMID: 27666373). To our knowledge, functional studies have not been reported for this variant. This variant has not been reported in individuals affected with familial hypercholesterolemia in the literature. This variant has been identified in 10/274030 chromosomes in the general population by the Genome Aggregation Database (gnomAD). The available evidence is insufficient to determine the role of this variant in disease conclusively. Therefore, this variant is classified as a Variant of Uncertain Significance.

This study involves interpretation of variants in research participants for the purpose of population health screening. Participant phenotype was not available at the time of variant classification. Additional details can be found in publication PMID: 35346344, PMCID: PMC8962531

Ambry Genetics
Classification: Likely benign for Cardiovascular phenotype. Last evaluated: 2021-09-07. Review status: criteria provided, single submitter. Criteria: Ambry Variant Classification Scheme 2023. Collection method: clinical testing. Allele origin: germline.

Illumina Laboratory Services, Illumina
Classification: Uncertain significance for Hypercholesterolemia, autosomal dominant, 3. Last evaluated: 2018-01-12. Review status: criteria provided, single submitter. Criteria: ICSL Variant Classification Criteria 13 December 2019. Collection method: clinical testing. Allele origin: germline.

Illumina Laboratory Services, Illumina
Classification: Uncertain significance for Hypobetalipoproteinemia. Last evaluated: 2018-01-12. Review status: criteria provided, single submitter. Criteria: ICSL Variant Classification Criteria 13 December 2019. Collection method: clinical testing. Allele origin: germline.

NM_174936.4(PCSK9):c.1733T>A (p.Val578Glu)

Gene: PCSK9 (proprotein convertase subtilisin/kexin type 9; plus strand). Cytogenetic location: 1p32.3.
Variant type: single nucleotide variant.
Coding change: c.1733T>A on transcript NM_174936.4 (MANE Select); coding-DNA position 1733, T replaced by A.
Protein change: p.Val578Glu; replaces valine 578 with glutamic acid.
Molecular consequence: missense variant.
Genome position (GRCh38, 1-based): chr1:55,061,426, T>A. VCF-style: chr1-55061426-T-A. GRCh37 (hg19) VCF-style: chr1-55527099-T-A.
Other names: c.1856T>A, p.Val619Glu (NM_001407240.1); c.1775T>A, p.Val592Glu (NM_001407241.1); c.1736T>A, p.Val579Glu (NM_001407242.1); c.1676T>A, p.Val559Glu (NM_001407243.1); c.1559T>A, p.Val520Glu (NM_001407244.1); c.1541T>A, p.Val514Glu (NM_001407245.1); c.1358T>A, p.Val453Glu (NM_001407246.1); c.1232T>A, p.Val411Glu (NM_001407247.1); short protein forms V578E, V453E, V520E, V559E, V514E, V592E, V411E, V579E.
Identifiers: ClinVar variation 876538 (VCV000876538.19), dbSNP rs765583923, ClinGen allele CA038683.
Genomic context (GRCh38, chr1:55,061,426, plus strand): 5'-CTGCCCCAGGCTGCAGCTCCCACTGGGAGGTGGAGGACCTTGGCACCCACAAGCCGCCTG[T>A]GCTGAGGCCACGAGGTCAGCCCAACCAGTGCGTGGGCCACAGGGAGGCCAGCATCCACGC-3'
Protein context (NP_777596.2, residues 568-588): VEDLGTHKPP[Val578Glu]LRPRGQPNQC